The following is an entry in ClinVar:

NM_002234.4(KCNA5):c.398C>A (p.Thr133Lys)

Gene: KCNA5 (potassium voltage-gated channel subfamily A member 5; plus strand). Cytogenetic location: 12p13.32.
Variant type: single nucleotide variant.
Coding change: c.398C>A on transcript NM_002234.4 (MANE Select); coding-DNA position 398, C replaced by A.
Protein change: p.Thr133Lys; replaces threonine 133 with lysine.
Molecular consequence: missense variant.
Genome position (GRCh38, 1-based): chr12:5,044,545, C>A. VCF-style: chr12-5044545-C-A. GRCh37 (hg19) VCF-style: chr12-5153711-C-A.
Other names: short protein forms T133K.
Identifiers: ClinVar variation 1517712 (VCV001517712.9), dbSNP rs781073587, ClinGen allele CA6399607.

ClinVar aggregate classification (germline): Uncertain significance. Review status: criteria provided, multiple submitters, no conflicts (2 of 4 stars). 4 submissions from 4 submitters: Uncertain significance (4). Last evaluated 2025-04-20.

Conditions:
Atrial fibrillation, familial, 7 (ATFB7). Identifiers: MedGen C2677106, MONDO:0012828, OMIM 612240.

Allele frequency attached by ClinVar (database versions not stated): ExAC 0.00001; gnomAD exomes 0.00002.
gnomAD v4.1: 5 of 1,613,820 alleles (0.00031%); highest among the groups gnomAD compares: Admixed American, 0.0067%; no homozygotes.

Submissions (4):

Labcorp Genetics (formerly Invitae), Labcorp
Classification: Uncertain significance for Atrial fibrillation, familial, 7. Last evaluated: 2025-04-20. Review status: criteria provided, single submitter. Criteria: Invitae Variant Classification Sherloc (09022015). Collection method: clinical testing. Allele origin: germline.
Comment: This sequence change replaces threonine, which is neutral and polar, with lysine, which is basic and polar, at codon 133 of the KCNA5 protein (p.Thr133Lys). This variant is present in population databases (rs781073587, gnomAD 0.01%). This variant has not been reported in the literature in individuals affected with KCNA5-related conditions. ClinVar contains an entry for this variant (Variation ID: 1517712). Invitae Evidence Modeling of protein sequence and biophysical properties (such as structural, functional, and spatial information, amino acid conservation, physicochemical variation, residue mobility, and thermodynamic stability) indicates that this missense variant is expected to disrupt KCNA5 protein function with a positive predictive value of 80%. In summary, the available evidence is currently insufficient to determine the role of this variant in disease. Therefore, it has been classified as a Variant of Uncertain Significance.

AiLife Diagnostics
Classification: Uncertain significance. Last evaluated: 2021-10-11. Review status: criteria provided, single submitter. Criteria: ACMG Guidelines, 2015. Collection method: clinical testing. Allele origin: germline. Affected: yes. Observed: 1 variant allele.

Fulgent Genetics
Classification: Uncertain significance for Atrial fibrillation, familial, 7. Last evaluated: 2021-08-23. Review status: criteria provided, single submitter. Criteria: ACMG Guidelines, 2015. Collection method: clinical testing. Allele origin: unknown.

Blueprint Genetics
Classification: Uncertain significance. Last evaluated: 2021-08-11. Review status: criteria provided, single submitter. Criteria: ACMG Guidelines, 2015. Collection method: clinical testing. Allele origin: germline.